The following is an entry in ClinVar:

NM_032119.4(ADGRV1):c.5018G>C (p.Gly1673Ala)

Gene: ADGRV1 (adhesion G protein-coupled receptor V1; plus strand). Cytogenetic location: 5q14.3.
Variant type: single nucleotide variant.
Coding change: c.5018G>C on transcript NM_032119.4 (MANE Select); coding-DNA position 5018, G replaced by C.
Protein change: p.Gly1673Ala; replaces glycine 1673 with alanine.
Molecular consequence: missense variant. On other transcripts: non-coding transcript variant (1).
Genome position (GRCh38, 1-based): chr5:90,674,142, G>C. VCF-style: chr5-90674142-G-C. GRCh37 (hg19) VCF-style: chr5-89969959-G-C.
Other names: c.5018G>C (NM_032119.3); short protein forms G1673A.
Identifiers: ClinVar variation 1939804 (VCV001939804.7), dbSNP rs373568560, ClinGen allele CA3339464.
Genomic context (GRCh38, chr5:90,674,142, plus strand): 5'-ATATTCCTGAACTTAATGAGTATTTCCGTGTGACATTGGTTTCTGCAATTCCTGGAGATG[G>C]GAAGCTAGGCTCAACTCCTACCAGTGGTGCAAGCATAGATCCTGAAAAGGAAACGACTGA-3'
Protein context (NP_115495.3, residues 1663-1683): VTLVSAIPGD[Gly1673Ala]KLGSTPTSGA

ClinVar aggregate classification (germline): Conflicting classifications of pathogenicity. Review status: criteria provided, conflicting classifications (1 of 4 stars). 3 submissions from 3 submitters: Uncertain significance (2); Likely benign (1). Last evaluated 2025-02-26.

Conditions:
Inborn genetic diseases. Identifiers: MedGen C0950123, MeSH D030342.

Allele frequency attached by ClinVar (database versions not stated): ExAC 0.00002; gnomAD 0.00002; TOPMed 0.00002; ESP Exome Variant Server 0.00008; gnomAD exomes 0.00001.
gnomAD v4.1: 14 of 1,613,014 alleles (0.00087%); highest among the groups gnomAD compares: African/African-American, 0.0013%; no homozygotes.

Submissions (3):

Ambry Genetics
Classification: Uncertain significance for Inborn genetic diseases. Last evaluated: 2025-02-26. Review status: criteria provided, single submitter. Criteria: Ambry Variant Classification Scheme 2023. Collection method: clinical testing. Allele origin: germline.

Labcorp Genetics (formerly Invitae), Labcorp
Classification: Likely benign. Last evaluated: 2024-08-29. Review status: criteria provided, single submitter. Criteria: Invitae Variant Classification Sherloc (09022015). Collection method: clinical testing. Allele origin: germline.

GeneDx
Classification: Uncertain significance. Last evaluated: 2022-12-27. Review status: criteria provided, single submitter. Criteria: GeneDx Variant Classification Process June 2021. Collection method: clinical testing. Allele origin: germline. Affected: yes.
Comment: Not observed at significant frequency in large population cohorts (gnomAD); In silico analysis supports that this missense variant has a deleterious effect on protein structure/function; Has not been previously published as pathogenic or benign to our knowledge